The following is an entry in ClinVar:

ClinVar aggregate classification (germline): Likely benign (1 of 4 stars; one submission).

gnomAD v4.1: 18 of 1,610,276 alleles (0.0011%); highest among the groups gnomAD compares: South Asian, 0.0044%; no homozygotes.

Submission:

CeGaT Center for Human Genetics Tuebingen
Classification: Likely benign. Last evaluated: 2026-09-01. Review status: criteria provided, single submitter. Criteria: CeGaT Center For Human Genetics Tuebingen Variant Classification Criteria Version 2. Collection method: clinical testing. Allele origin: germline. Affected: yes. Observed: 1 variant allele.
Comment: KCNAB2: BP4, BP7

NM_001199862.2(KCNAB2):c.657C>T (p.Arg219=)

Gene: KCNAB2 (potassium voltage-gated channel subfamily A regulatory beta subunit 2; plus strand). Cytogenetic location: 1p36.31.
Variant type: single nucleotide variant.
Coding change: c.657C>T on transcript NM_001199862.2 (MANE Select); coding-DNA position 657, C replaced by T.
Protein change: p.Arg219=; no amino-acid change (arginine 219 retained).
Molecular consequence: synonymous variant.
Genome position (GRCh38, 1-based): chr1:6,094,410, C>T. VCF-style: chr1-6094410-C-T. GRCh37 (hg19) VCF-style: chr1-6154470-C-T.
Other names: c.513C>T, p.Arg171= (NM_001199860.2, NM_001199861.2, NM_003636.4); c.312C>T, p.Arg104= (NM_001199863.2); c.471C>T, p.Arg157= (NM_172130.3).
Identifiers: ClinVar variation 5041067 (VCV005041067.1).